The following is an entry in ClinVar:

ClinVar aggregate classification (germline): Uncertain significance (1 of 4 stars; one submission).

gnomAD v4.1: 2 of 1,612,850 alleles (0.00012%); highest among the groups gnomAD compares: Non-Finnish European, 0.00017%; no homozygotes.

Submission:

CeGaT Center for Human Genetics Tuebingen
Classification: Uncertain significance. Last evaluated: 2025-01-01. Review status: criteria provided, single submitter. Criteria: CeGaT Center For Human Genetics Tuebingen Variant Classification Criteria Version 2. Collection method: clinical testing. Allele origin: germline. Affected: yes. Observed: 1 variant allele.
Comment: OPTN: PM2

NM_001008212.2(OPTN):c.967G>C (p.Ala323Pro)

Gene: OPTN (optineurin; plus strand). Cytogenetic location: 10p13.
Variant type: single nucleotide variant.
Coding change: c.967G>C on transcript NM_001008212.2 (MANE Select); coding-DNA position 967, G replaced by C.
Protein change: p.Ala323Pro; replaces alanine 323 with proline.
Molecular consequence: missense variant.
Genome position (GRCh38, 1-based): chr10:13,124,079, G>C. VCF-style: chr10-13124079-G-C. GRCh37 (hg19) VCF-style: chr10-13166079-G-C.
Other names: c.967G>C, p.Ala323Pro (NM_001008211.1, NM_001008213.1, NM_021980.4); short protein forms A323P.
Identifiers: ClinVar variation 3772356 (VCV003772356.13).